The following is an entry in ClinVar:

ClinVar aggregate classification (germline): Uncertain significance (1 of 4 stars; one submission).

Allele frequency attached by ClinVar (database versions not stated): gnomAD 0.00001; gnomAD exomes 0.00001.
gnomAD v4.1: 11 of 1,613,270 alleles (0.00068%); highest among the groups gnomAD compares: East Asian, 0.0022%; no homozygotes.

Submission:

Labcorp Genetics (formerly Invitae), Labcorp
Classification: Uncertain significance. Last evaluated: 2024-01-25. Review status: criteria provided, single submitter. Criteria: Invitae Variant Classification Sherloc (09022015). Collection method: clinical testing. Allele origin: germline.
Comment: This sequence change replaces threonine, which is neutral and polar, with methionine, which is neutral and non-polar, at codon 1547 of the SPEG protein (p.Thr1547Met). This variant is present in population databases (no rsID available, gnomAD 0.003%). This variant has not been reported in the literature in individuals affected with SPEG-related conditions. ClinVar contains an entry for this variant (Variation ID: 1927185). An algorithm developed to predict the effect of missense changes on protein structure and function (PolyPhen-2) suggests that this variant is likely to be disruptive. In summary, the available evidence is currently insufficient to determine the role of this variant in disease. Therefore, it has been classified as a Variant of Uncertain Significance.

NM_005876.5(SPEG):c.4640C>T (p.Thr1547Met)

Gene: SPEG (striated muscle enriched protein kinase; plus strand). Cytogenetic location: 2q35.
Variant type: single nucleotide variant.
Coding change: c.4640C>T on transcript NM_005876.5 (MANE Select); coding-DNA position 4640, C replaced by T.
Protein change: p.Thr1547Met; replaces threonine 1547 with methionine.
Molecular consequence: missense variant.
Genome position (GRCh38, 1-based): chr2:219,477,356, C>T. VCF-style: chr2-219477356-C-T. GRCh37 (hg19) VCF-style: chr2-220342078-C-T.
Other names: short protein forms T1547M.
Identifiers: ClinVar variation 1927185 (VCV001927185.5), dbSNP rs1475073593, ClinGen allele CA350681329.
Genomic context (GRCh38, chr2:219,477,356, plus strand): 5'-AGAGCAGCCATGTGAGCTTCGTGTACGAGGAGAATGAGTGCTCCCTGGTGGTGCTCAGCA[C>T]GGGGGCCCAGGATGGAGGCGTCTACACCTGCACCGCCCAGAACCTGGCGGGTGAGGTCTC-3'
Protein context (NP_005867.3, residues 1537-1557): ENECSLVVLS[Thr1547Met]GAQDGGVYTC